The following is an entry in ClinVar:

ClinVar aggregate classification (germline): Likely benign. Review status: criteria provided, single submitter (1 of 4 stars). 2 submissions from 2 submitters: Likely benign (1). 1 of the submissions does not count toward it. Last evaluated 2023-02-28.

Conditions:
SLIT2-related disorder. Also called: SLIT2-related condition.

Allele frequency attached by ClinVar (database versions not stated): ExAC 0.00002; ESP Exome Variant Server 0.00008; gnomAD 0.00008; TOPMed 0.00008; gnomAD exomes 0.00010.
gnomAD v4.1: 168 of 1,613,962 alleles (0.01%); highest among the groups gnomAD compares: Non-Finnish European, 0.013%; no homozygotes.

Submissions (2):

Labcorp Genetics (formerly Invitae), Labcorp
Classification: Likely benign. Last evaluated: 2023-02-28. Review status: criteria provided, single submitter. Criteria: Invitae Variant Classification Sherloc (09022015). Collection method: clinical testing. Allele origin: germline.

PreventionGenetics, part of Exact Sciences
Classification: Likely benign for SLIT2-related condition. Last evaluated: 2020-01-06. Review status: no assertion criteria provided. Collection method: clinical testing. Allele origin: germline. Not counted in ClinVar's aggregate classification.
Comment: This variant is classified as likely benign based on ACMG/AMP sequence variant interpretation guidelines (Richards et al. 2015 PMID: 25741868, with internal and published modifications).

NM_004787.4(SLIT2):c.3204C>T (p.Tyr1068=)

Gene: SLIT2 (slit guidance ligand 2; plus strand). Cytogenetic location: 4p15.31.
Variant type: single nucleotide variant.
Coding change: c.3204C>T on transcript NM_004787.4 (MANE Select); coding-DNA position 3204, C replaced by T.
Protein change: p.Tyr1068=; no amino-acid change (tyrosine 1068 retained).
Molecular consequence: synonymous variant.
Genome position (GRCh38, 1-based): chr4:20,595,718, C>T. VCF-style: chr4-20595718-C-T. GRCh37 (hg19) VCF-style: chr4-20597341-C-T.
Other names: c.3204C>T (NM_004787.3); c.3192C>T, p.Tyr1064= (NM_001289135.3); c.3180C>T, p.Tyr1060= (NM_001289136.3).
Identifiers: ClinVar variation 2159902 (VCV002159902.6), dbSNP rs200463383, ClinGen allele CA2872111.